The following is an entry in ClinVar:

ClinVar aggregate classification (germline): Uncertain significance (1 of 4 stars; one submission).

Conditions:
Charcot-Marie-Tooth disease axonal type 2P. Also called: Charcot-Marie-Tooth Neuropathy Type 2G; CHARCOT-MARIE-TOOTH NEUROPATHY, TYPE 2P; CHARCOT-MARIE-TOOTH DISEASE, AXONAL, TYPE 2G; CMT 2G. Identifiers: Orphanet 300319, Orphanet 99941, MedGen C3280797, MONDO:0013753, OMIM 614436.

Submission:

Labcorp Genetics (formerly Invitae), Labcorp
Classification: Uncertain significance for Charcot-Marie-Tooth disease axonal type 2P. Last evaluated: 2021-11-14. Review status: criteria provided, single submitter. Criteria: Invitae Variant Classification Sherloc (09022015). Collection method: clinical testing. Allele origin: germline.
Comment: In summary, the available evidence is currently insufficient to determine the role of this variant in disease. Therefore, it has been classified as a Variant of Uncertain Significance. Algorithms developed to predict the effect of sequence changes on RNA splicing suggest that this variant may disrupt the consensus splice site. This variant has not been reported in the literature in individuals affected with LRSAM1-related conditions. This variant is not present in population databases (gnomAD no frequency). This sequence change affects codon 135 of the LRSAM1 mRNA. It is a 'silent' change, meaning that it does not change the encoded amino acid sequence of the LRSAM1 protein. It affects a nucleotide within the consensus splice site.

NM_001005373.4(LRSAM1):c.405A>G (p.Lys135=)

Gene: LRSAM1 (leucine rich repeat and sterile alpha motif containing 1; plus strand). Cytogenetic location: 9q33.3.
Variant type: single nucleotide variant.
Coding change: c.405A>G on transcript NM_001005373.4 (MANE Select); coding-DNA position 405, A replaced by G.
Protein change: p.Lys135=; no amino-acid change (lysine 135 retained).
Molecular consequence: synonymous variant. On other transcripts: 5 prime UTR variant (1), non-coding transcript variant (2).
Genome position (GRCh38, 1-based): chr9:127,461,256, A>G. VCF-style: chr9-127461256-A-G. GRCh37 (hg19) VCF-style: chr9-130223535-A-G.
Other names: c.405A>G, p.Lys135= (NM_001005374.4, NM_001190723.3, NM_001384142.1 and 2 more transcripts); c.-380A>G (NM_001384144.1).
Identifiers: ClinVar variation 1516169 (VCV001516169.6), dbSNP rs1834732440, ClinGen allele CA467238672.